The following is an entry in ClinVar:

ClinVar aggregate classification (germline): Uncertain significance (1 of 4 stars; one submission).

gnomAD v4.1: 2 of 1,289,386 alleles (0.00016%); highest among the groups gnomAD compares: South Asian, 0.0051%; no homozygotes.

Submission:

Labcorp Genetics (formerly Invitae), Labcorp
Classification: Uncertain significance. Last evaluated: 2024-06-08. Review status: criteria provided, single submitter. Criteria: Invitae Variant Classification Sherloc (09022015). Collection method: clinical testing. Allele origin: germline.
Comment: This sequence change replaces glycine, which is neutral and non-polar, with alanine, which is neutral and non-polar, at codon 133 of the CDK13 protein (p.Gly133Ala). This variant is not present in population databases (gnomAD no frequency). This variant has not been reported in the literature in individuals affected with CDK13-related conditions. Advanced modeling of protein sequence and biophysical properties (such as structural, functional, and spatial information, amino acid conservation, physicochemical variation, residue mobility, and thermodynamic stability) performed at Invitae indicates that this missense variant is not expected to disrupt CDK13 protein function with a negative predictive value of 95%. In summary, the available evidence is currently insufficient to determine the role of this variant in disease. Therefore, it has been classified as a Variant of Uncertain Significance.

NM_003718.5(CDK13):c.398G>C (p.Gly133Ala)

Genes: CDK13 (cyclin dependent kinase 13; plus strand), LOC129998292 (ATAC-STARR-seq lymphoblastoid silent region 18115; plus strand). Cytogenetic location: 7p14.1.
Variant type: single nucleotide variant.
Coding change: c.398G>C on transcript NM_003718.5 (MANE Select); coding-DNA position 398, G replaced by C.
Protein change: p.Gly133Ala; replaces glycine 133 with alanine.
Molecular consequence: missense variant.
Genome position (GRCh38, 1-based): chr7:39,951,039, G>C. VCF-style: chr7-39951039-G-C. GRCh37 (hg19) VCF-style: chr7-39990638-G-C.
Other names: c.398G>C, p.Gly133Ala (NM_031267.4); short protein forms G133A.
Identifiers: ClinVar variation 3687134 (VCV003687134.2).